The following is an entry in ClinVar:

NM_001754.5(RUNX1):c.1102A>C (p.Met368Leu)

Gene: RUNX1 (RUNX family transcription factor 1; minus strand). Cytogenetic location: 21q22.12.
Variant type: single nucleotide variant.
Coding change: c.1102A>C on transcript NM_001754.5 (MANE Select); coding-DNA position 1102, A replaced by C.
Protein change: p.Met368Leu; replaces methionine 368 with leucine.
Molecular consequence: missense variant.
Genome position (GRCh38, 1-based): chr21:34,792,476, T>G on the plus strand (A>C on the coding strand, the complement: RUNX1 is on the minus strand). VCF-style: chr21-34792476-T-G. GRCh37 (hg19) VCF-style: chr21-36164773-T-G.
Other names: NM_001754.5(RUNX1):c.1102A>C; p.Met368Leu; c.1021A>C, p.Met341Leu (NM_001001890.3); short protein forms M341L, M368L.
Identifiers: ClinVar variation 845799 (VCV000845799.11), dbSNP rs1256464750, ClinGen allele CA410148125.

ClinVar aggregate classification (germline): Uncertain significance. Review status: reviewed by expert panel (3 of 4 stars). 3 submissions from 3 submitters: Uncertain significance (1). 2 of the submissions do not count toward it. Last evaluated 2024-10-29.

Conditions:
Hereditary thrombocytopenia and hematologic cancer predisposition syndrome. Identifiers: Orphanet 71290, MedGen CN281654, MONDO:0011071.
Inborn genetic diseases. Identifiers: MedGen C0950123, MeSH D030342.
Hereditary thrombocytopenia and hematological cancer predisposition syndrome associated with RUNX1. Also called: PLATELET DISORDER, ASPIRIN-LIKE; Familial Platelet Disorder with Propensity to Acute Myelogenous Leukemia; Familial thrombocytopenia with propensity to acute myelogenous leukemia; RUNX1 Familial Platelet Disorder with Associated Myeloid Malignancies. Identifiers: Orphanet 71290, MedGen C1832388, MeSH C563324, MONDO:0100083, OMIM 601399.

Allele frequency attached by ClinVar (database versions not stated): TOPMed 0.00001.

Submissions (3):

ClinGen Myeloid Malignancy Variant Curation Expert Panel
Classification: Uncertain significance for Hereditary thrombocytopenia and hematologic cancer predisposition syndrome. Last evaluated: 2024-10-29. Review status: reviewed by expert panel. Criteria: ClinGen MyeloMalig ACMG Specifications v2. Collection method: curation. Allele origin: germline. Inheritance: Autosomal dominant inheritance.
Comment: NM_001754.5(RUNX1):c.1102A>C (p.Met368Leu) is a missense variant which has a REVEL score < 0.50 (0.451) and a SpliceAI score ≤ 0.20 (0.0) (BP4). This variant is completely absent from all population databases with at least 20x coverage for RUNX1 (PM2_Supporting). In summary, the clinical significance of this variant is uncertain. ACMG/AMP criteria applied, as specified by the Myeloid Malignancy Variant Curation Expert Panel for RUNX1: BP4, PM2_supporting.

Ambry Genetics
Classification: Uncertain significance for Inborn genetic diseases. Last evaluated: 2026-01-13. Review status: criteria provided, single submitter. Criteria: Ambry Variant Classification Scheme 2023. Collection method: clinical testing. Allele origin: germline. Not counted in ClinVar's aggregate classification.
Comment: The p.M368L variant (also known as c.1102A>C), located in coding exon 8 of the RUNX1 gene, results from an A to C substitution at nucleotide position 1102. The methionine at codon 368 is replaced by leucine, an amino acid with highly similar properties. This amino acid position is highly conserved in available vertebrate species. In addition, the in silico prediction for this alteration is inconclusive. Based on the available evidence, the clinical significance of this variant remains unclear.

Labcorp Genetics (formerly Invitae), Labcorp
Classification: Uncertain significance for Hereditary thrombocytopenia and hematological cancer predisposition syndrome associated with RUNX1. Last evaluated: 2021-01-22. Review status: criteria provided, single submitter. Criteria: Invitae Variant Classification Sherloc (09022015). Collection method: clinical testing. Allele origin: germline. Not counted in ClinVar's aggregate classification.
Comment: This sequence change replaces methionine with leucine at codon 368 of the RUNX1 protein (p.Met368Leu). The methionine residue is highly conserved and there is a small physicochemical difference between methionine and leucine. This variant is not present in population databases (ExAC no frequency). This variant has not been reported in the literature in individuals with RUNX1-related disease. Algorithms developed to predict the effect of missense changes on protein structure and function do not agree on the potential impact of this missense change (SIFT: "Deleterious"; PolyPhen-2: "Benign"; Align-GVGD: "Class C0"). In summary, the available evidence is currently insufficient to determine the role of this variant in disease. Therefore, it has been classified as a Variant of Uncertain Significance.